The following is an entry in ClinVar:

NM_013275.6(ANKRD11):c.5553C>A (p.Tyr1851Ter)

Gene: ANKRD11 (ankyrin repeat domain 11; minus strand). Cytogenetic location: 16q24.3.
Variant type: single nucleotide variant.
Coding change: c.5553C>A on transcript NM_013275.6 (MANE Select); coding-DNA position 5553, C replaced by A.
Protein change: p.Tyr1851Ter; replaces tyrosine 1851 with a stop codon.
Molecular consequence: nonsense.
Genome position (GRCh38, 1-based): chr16:89,280,989, G>T on the plus strand (C>A on the coding strand, the complement: ANKRD11 is on the minus strand). VCF-style: chr16-89280989-G-T. GRCh37 (hg19) VCF-style: chr16-89347397-G-T.
Other names: c.5553C>A, p.Tyr1851Ter (NM_001256182.2, NM_001256183.2); short protein forms Y1851*.
Identifiers: ClinVar variation 4795449 (VCV004795449.1).
Genomic context (GRCh38, chr16:89,280,989, plus strand): 5'-GGCAGCCGGTGGGCAGTGCAAAGCGTCGACTTTGGGCGACGGGAGGCCATAGTCTGGGGA[G>T]TAGTACCCTGGCGACAAGCAGGCAAACTTCTCCGCGGGAACCGGGGGCAGGGGCGCCCTG-3'

ClinVar aggregate classification (germline): Pathogenic (1 of 4 stars; one submission).

Submission:

GeneDx
Classification: Pathogenic. Last evaluated: 2025-08-13. Review status: criteria provided, single submitter. Criteria: GeneDx Variant Classification Process June 2021. Collection method: clinical testing. Allele origin: germline. Affected: yes.
Comment: Nonsense variant predicted to result in protein truncation or nonsense mediated decay in a gene for which loss of function is a known mechanism of disease; Not observed at significant frequency in large population cohorts (gnomAD); Has not been previously published as pathogenic or benign to our knowledge